The following is an entry in ClinVar:

ClinVar aggregate classification (germline): Uncertain significance (1 of 4 stars; one submission).

Conditions:
Cystic fibrosis (CF). Also called: MUCOVISCIDOSIS. Identifiers: Orphanet 586, MedGen C0010674, MONDO:0009061, OMIM 219700. Disease mechanism: loss of function.

Allele frequency attached by ClinVar (database versions not stated): gnomAD exomes 0.00007.

Submission:

Ambry Genetics
Classification: Uncertain significance for Cystic fibrosis. Last evaluated: 2016-03-22. Review status: criteria provided, single submitter. Criteria: Ambry Variant Classification Scheme 2023. Collection method: clinical testing. Allele origin: germline.
Comment: The c.-148A>G alteration is located in the 5' untranslated region (5'UTR) of the CFTR gene. This alteration consists of a A to G substitution nucleotides upstream from the first translated codon. Based on insufficient or conflicting evidence, the clinical significance of this alteration remains unclear.

NM_000492.3(CFTR):c.-148A>G

Genes: CFTR (CF transmembrane conductance regulator; plus strand), LOC111674463 (CFTR promoter region; plus strand). Cytogenetic location: 7q31.2.
Variant type: single nucleotide variant.
Coding change: c.-148A>G on transcript NM_000492.3; 148 bases upstream of the start codon, A replaced by G.
Genome position (GRCh38, 1-based): chr7:117,479,947, A>G. VCF-style: chr7-117479947-A-G. GRCh37 (hg19) VCF-style: chr7-117120001-A-G.
Identifiers: ClinVar variation 3076092 (VCV003076092.1), dbSNP rs1244312586, ClinGen allele CA577211747.